The following is an entry in ClinVar:

NM_030777.4(SLC2A10):c.*280C>T

Gene: SLC2A10 (solute carrier family 2 member 10; plus strand). Cytogenetic location: 20q13.12.
Variant type: single nucleotide variant.
Coding change: c.*280C>T on transcript NM_030777.4 (MANE Select); 280 bases downstream of the stop codon, C replaced by T.
Molecular consequence: 3 prime UTR variant.
Genome position (GRCh38, 1-based): chr20:46,734,114, C>T. VCF-style: chr20-46734114-C-T. GRCh37 (hg19) VCF-style: chr20-45362753-C-T.
Identifiers: ClinVar variation 338607 (VCV000338607.9), dbSNP rs6018009, ClinGen allele CA10644007.

ClinVar aggregate classification (germline): Benign/Likely benign. Review status: criteria provided, multiple submitters, no conflicts (2 of 4 stars). 3 submissions from 3 submitters: Benign (1); Likely benign (2). Last evaluated 2018-07-27.

Conditions:
Arterial tortuosity syndrome (ATORS). Identifiers: Orphanet 3342, MedGen C1859726, MONDO:0008818, OMIM 208050.

Allele frequency attached by ClinVar (database versions not stated): gnomAD 0.01292 and 0.01365; 1000 Genomes Project 0.01298; 1000 Genomes Project 30x 0.01343; TOPMed 0.01348.
gnomAD v4.1: 2,854 of 508,226 alleles (0.56%); highest among the groups gnomAD compares: African/African-American, 4.2%; 44 homozygotes.

Submissions (3):

GeneDx
Classification: Likely benign. Last evaluated: 2018-07-27. Review status: criteria provided, single submitter. Criteria: GeneDx Variant Classification Process June 2021. Collection method: clinical testing. Allele origin: germline. Affected: yes.

Illumina Laboratory Services, Illumina
Classification: Benign for Arterial tortuosity syndrome. Last evaluated: 2018-01-13. Review status: criteria provided, single submitter. Criteria: ICSL Variant Classification Criteria 13 December 2019. Collection method: clinical testing. Allele origin: germline.
Comment: This variant was observed in the ICSL laboratory as part of a predisposition screen in an ostensibly healthy population. It had not been previously curated by ICSL or reported in the Human Gene Mutation Database (HGMD: prior to June 1st, 2018), and was therefore a candidate for classification through an automated scoring system. Utilizing variant allele frequency, disease prevalence and penetrance estimates, and inheritance mode, an automated score was calculated to assess if this variant is too frequent to cause the disease. Based on the score and internal cut-off values, a variant classified as benign is not then subjected to further curation. The score for this variant resulted in a classification of benign for this disease.

Breakthrough Genomics
Classification: Likely benign. Review status: criteria provided, single submitter. Criteria: ACMG Guidelines, 2015. Collection method: not provided. Allele origin: germline. Inheritance: Autosomal recessive inheritance. Affected: yes.